The following is an entry in ClinVar:

ClinVar aggregate classification (germline): Pathogenic. Review status: reviewed by expert panel (3 of 4 stars). 43 submissions from 41 submitters: Pathogenic (1). 42 of the submissions do not count toward it. Last evaluated 2026-04-07.

Conditions:
Erythrocytosis, familial, 6. Also called: ERYTHROCYTOSIS, BETA-GLOBIN TYPE; POLYCYTHEMIA, BETA-GLOBIN TYPE. Identifiers: MedGen C4693822, MONDO:0054801, OMIM 617980.
Beta-thalassemia HBB/LCRB. Identifiers: MedGen CN322236, MONDO:0013517, OMIM 613985.
METHEMOGLOBINEMIA, BETA TYPE. Also called: Methemoglobinemia, beta-globin type. Identifiers: MedGen C1840779, OMIM 617971.
Hb SS disease (SCD). Also called: Sickle cell anemia; Sickle cell disease; HbS disease; Hemoglobin S Disease; Sickling disorder due to hemoglobin S; Hemoglobin SS. Identifiers: Orphanet 232, Orphanet 275752, MedGen C0002895, MONDO:0011382, OMIM 603903.
Dominant beta-thalassemia. Also called: Beta-thalassemia, dominant inclusion body type. Identifiers: Orphanet 231226, Orphanet 848, MedGen C1858990, MONDO:0011381, OMIM 603902.
Heinz body anemia. Also called: Heinz body hemolytic anemia. Identifiers: Orphanet 178330, MedGen C0700299, MONDO:0007705, OMIM 140700, HP:0005511.
Malaria, susceptibility to. Identifiers: Orphanet 673, MedGen C1970028, MONDO:0021024, OMIM 611162.
Hereditary persistence of fetal hemoglobin. Identifiers: MedGen C0019025, MONDO:0020989, OMIM 141749.
beta Thalassemia (BTHAL). Also called: Cooley's anemia; Erythroblastic anemia; Mediterranean anemia. Identifiers: Orphanet 848, MedGen C0005283, MONDO:0019402. Disease mechanism: loss of function.
Fetal hemoglobin quantitative trait locus 1 (HBFQTL1). Identifiers: Orphanet 251380, MedGen C1841621.
alpha Thalassemia. Also called: Alpha thalassemia spectrum. Identifiers: Orphanet 846, MedGen C0002312, MONDO:0011399, OMIM 604131.
Inborn genetic diseases. Identifiers: MedGen C0950123, MeSH D030342.
HBB-related disorder. Also called: HBB-related condition; HBB-related disorders. Identifiers: MedGen CN239378.
Beta-thalassemia major. Identifiers: Orphanet 231214, MedGen C0002875, MONDO:0016486.
BETA-PLUS-THALASSEMIA. Identifiers: MedGen C3841475.

Allele frequency attached by ClinVar (database versions not stated): gnomAD 0.00010 and 0.00009; gnomAD exomes 0.00016; TOPMed 0.00017; ExAC 0.00019.
gnomAD v4.1: 197 of 1,608,186 alleles (0.012%); highest among the groups gnomAD compares: Middle Eastern, 0.2%; no homozygotes.

Submissions 1 to 7 of 43:

ClinGen Hemoglobinopathy Variant Curation Expert Panel, ClinGen
Classification: Pathogenic for Beta-thalassemia HBB/LCRB. Last evaluated: 2026-04-07. Review status: reviewed by expert panel. Criteria: ClinGen Hb Opathy ACMG Specifications HBB V1.0.0. Collection method: curation. Allele origin: germline. Inheritance: Autosomal recessive inheritance.
Comment: The NM_000518.5(HBB):c.93-21G>A variant in HBB is an intronic variant that creates an abnormal splice acceptor site, leading to the integration of 19 nucleotides of intron 1, which also includes an in-frame stop codon. The variant has been reported to segregate with β-thalassemia in three affected compound heterozygous individuals from three families. The total number of unaffected segregations is 0. The LOD score is 1.81 [PP1_M; PMID: 22862814]. This variant has been detected in 56 individuals with severe β-thalassemia, most being transfusion dependent. Of those individuals, five were compound heterozygous for the variant and a pathogenic variant (IVSI-1 G>A, CD 39 C>T, IVS II-745 C>G, Hb Lepore, Hb Knossos) and were confirmed in trans by DNA studies, and three were compound heterozygous (in trans) with a variant of uncertain significance (Poly A (A>G) AATAAA>GATAAA). Forty-eight individuals were homozygous for the variant. Total PM3 points are 6.75 [PM3_VS; PMID: 6264391; 2200760; 22862814]. The variant has been reported in at least three unrelated probands with a typical β-thalassemia trait phenotype (low MCV (<79 fl) and MCH (<27 pg) with increased HbA2 (>3.5%)), giving a total score of 4.5 [PS4; PMID: 16987796; 22862814]. The computational predictor SpliceAI gives a Δ score of 0.44 for acceptor gain, which is above the threshold >0.3, predicting that the variant may impact splicing efficiency [PP3]. In vitro cell-based assays using a beta-globin gene containing the c.93-21A>G variant showed a low level of normal β-globin mRNA, compared to the wild-type control, as a consequence of preferential splicing to the wrong 3’ splice site [PS3_P; PMID: 6895866]. The minor allele frequency in gnomAD v4.1 is 0.0001225 (197/1608186 alleles), which does not meet any allele-frequency-based rules. In summary, this variant meets the criteria to be classified as pathogenic for autosomal recessive beta thalassemia (MONDO:0013517) based on the ACMG/AMP criteria applied, as specified by the ClinGen Hemoglobinopathy VCEP (specification version 1.0.0): PS4, PP1_M, PM3_VS, PP3, PS3_P.

Institute of Human Genetics, University of Leipzig Medical Center
Classification: Pathogenic for Beta-thalassemia HBB/LCRB. Last evaluated: 2026-06-16. Review status: criteria provided, single submitter. Criteria: ACMG Guidelines, 2015. Collection method: clinical testing. Allele origin: unknown. Inheritance: Autosomal recessive inheritance. Affected: yes. Not counted in ClinVar's aggregate classification.
Comment: Criteria applied: PM3_VSTR,PS3,PS4,PP1_MOD,PP3

CeGaT Center for Human Genetics Tuebingen
Classification: Pathogenic. Last evaluated: 2026-06-01. Review status: criteria provided, single submitter. Criteria: CeGaT Center For Human Genetics Tuebingen Variant Classification Criteria Version 2. Collection method: clinical testing. Allele origin: germline. Affected: yes. Observed: 10 variant alleles. Not counted in ClinVar's aggregate classification.
Comment: HBB: PM3:Very Strong, PM2, PP4

Institute of Human Genetics, Heidelberg University
Classification: Pathogenic for Dominant beta-thalassemia. Last evaluated: 2026-04-28. Review status: criteria provided, single submitter. Criteria: ACMG Guidelines, 2015. Collection method: clinical testing. Allele origin: paternal. Affected: yes. Observed: 2 variant alleles. Not counted in ClinVar's aggregate classification.
Comment: PVS1_vs, PS4_strong

Labcorp Genetics (formerly Invitae), Labcorp
Classification: Pathogenic. Last evaluated: 2026-01-27. Review status: criteria provided, single submitter. Criteria: Invitae Variant Classification Sherloc (09022015). Collection method: clinical testing. Allele origin: germline. Not counted in ClinVar's aggregate classification.
Comment: This sequence change falls in intron 1 of the HBB gene. It does not directly change the encoded amino acid sequence of the HBB protein. This variant is present in population databases (rs35004220, gnomAD 0.03%). This variant has been observed in individual(s) with HBB-related conditions (PMID: 1967205, 2200760, 28366028, 28391758). In at least one individual the data is consistent with being in trans (on the opposite chromosome) from a pathogenic variant. This variant is also known as IVS-I-110G>A. ClinVar contains an entry for this variant (Variation ID: 15454). Algorithms developed to predict the effect of sequence changes on RNA splicing suggest that this variant is not likely to affect RNA splicing. For these reasons, this variant has been classified as Pathogenic.

Victorian Clinical Genetics Services, Murdoch Childrens Research Institute
Classification: Pathogenic for Beta-thalassemia HBB/LCRB. Last evaluated: 2025-11-11. Review status: criteria provided, single submitter. Criteria: ACMG Guidelines, 2015. Collection method: clinical testing. Allele origin: germline. Not counted in ClinVar's aggregate classification.
Comment: This variant is classified as Pathogenic. Evidence in support of pathogenic classification: Non-coding variant with a suspected effect. Recombinant in vitro functional studies show this variant causes aberrant splicing resulting in a frameshift and premature termination codon, which ultimately results in severely reduced expression of beta-globin (PMID: 29700171); Variant is present in gnomAD <0.01 (v2: 42 heterozygotes, 0 homozygotes); This variant has strong previous evidence of pathogenicity in unrelated individuals. This variant is one of the most common Mediterranean variants associated with beta-thalassemia and has been reported as heterozygous, homozygous, or compound heterozygous in individuals with beta-thalassemia. This variant has also been reported in individuals with sickle cell disease when in compound heterozygous with the HbS variant (PMIDs: 28667000, 28366028, 31899996, 31788855, 33851260). Additional information: This variant is heterozygous; This gene is associated with both recessive and dominant disease (OMIM); Loss of function is a known mechanism of disease in this gene and is associated with HBB-related hemoglobinopathies, including beta thalassemia (OMIM). Dominant negative is also a suggested mechanism (PMID: 29700171); Variants in this gene are known to have variable expressivity. Variable severity has been reported in sickle cell patients carrying the same variants (PMID: 31788855). In addition, clinical severity of beta-thalassemia patients is also dependent on whether variants in HBB are heterozygous, homozygous or compound heterozygous, and the amount of residual protein that is expressed (PMID: 20301599).

Natera, Inc.
Classification: Pathogenic for Beta thalassemia. Last evaluated: 2025-10-24. Review status: criteria provided, single submitter. Criteria: Natera Variant Classification Schema (03/2026). Collection method: clinical testing. Allele origin: germline. Not counted in ClinVar's aggregate classification.
Comment: The c.93-21G>A variant in HBB is an intronic variant located outside the canonical splice sites. This variant is rare in the general population with a frequency below the threshold expected for the associated phenotype(s). This variant has been observed in one or more individuals affected with the associated recessive disease, as either homozygous or compound heterozygous with a second variant (PMID: 23321370). Given the available evidence, this variant is classified as Pathogenic.

NM_000518.5(HBB):c.93-21G>A

Genes: HBB (hemoglobin subunit beta; minus strand), LOC106099062 (HBB recombination region; plus strand), LOC107133510 (origin of replication at HBB; plus strand). Cytogenetic location: 11p15.4.
Variant type: single nucleotide variant.
Coding change: c.93-21G>A on transcript NM_000518.5 (MANE Select); 21 bases into the intron before coding-DNA position 93, G replaced by A.
Molecular consequence: intron variant.
Genome position (GRCh38, 1-based): chr11:5,226,820, C>T on the plus strand (G>A on the coding strand, the complement: HBB is on the minus strand). VCF-style: chr11-5226820-C-T. GRCh37 (hg19) VCF-style: chr11-5248050-C-T.
Other names: IVS1-110G>A; IVS-I-110 (G->A) beta+; IVS I-110 G>A; IVS1, G-A, +110.
Identifiers: ClinVar variation 15454 (VCV000015454.175), dbSNP rs35004220, ClinGen allele CA125315.